The following is an entry in ClinVar:

NM_001375405.1(CEP120):c.674_675insTTTTTTTTTTTTTTTTTTTTNNNNNNNNNNGACCTCGTGATCCGCCCGCCTCGGCCTCCCAAAGTGCTGGGATTACAGGCGTGAGCCACCGCGCCCGGCCTCTTTTACTACTCTTT (p.Leu225delinsPhePhePhePhePhePhePheXaaXaaXaaXaaThrSerTer)

Gene: CEP120 (centrosomal protein 120; minus strand). Cytogenetic location: 5q23.2.
Variant type: Insertion.
Coding change: c.674_675insTTTTTTTTTTTTTTTTTTTTNNNNNNNNNNGACCTCGTGATCCGCCCGCCTCGGCCTCCCAAAGTGCTGGGATTACAGGCGTGAGCCACCGCGCCCGGCCTCTTTTACTACTCTTT on transcript NM_001375405.1 (MANE Select); coding-DNA positions 674 to 675, TTTTTTTTTTTTTTTTTTTTNNNNNNNNNNGACCTCGTGATCCGCCCGCCTCGGCCTCCCAAAGTGCTGGGATTACAGGCGTGAGCCACCGCGCCCGGCCTCTTTTACTACTCTTT inserted.
Protein change: p.Leu225delinsPhePhePhePhePhePhePheXaaXaaXaaXaaThrSerTer.
Molecular consequence: nonsense. On other transcripts: non-coding transcript variant (1).
Genome position: GRCh38: chr5:123,393,451-123,393,452. GRCh37 (hg19): chr5:122,729,145-122,729,146.
Other names: c.596_597insTTTTTTTTTTTTTTTTTTTTNNNNNNNNNNGACCTCGTGATCCGCCCGCCTCGGCCTCCCAAAGTGCTGGGATTACAGGCGTGAGCCACCGCGCCCGGCCTCTTTTACTACTCTTT, p.Leu199delinsPhePhePhePhePhePhePheXaaXaaXaaXaaThrSerTer (NM_001166226.2); c.674_675insTTTTTTTTTTTTTTTTTTTTNNNNNNNNNNGACCTCGTGATCCGCCCGCCTCGGCCTCCCAAAGTGCTGGGATTACAGGCGTGAGCCACCGCGCCCGGCCTCTTTTACTACTCTTT, p.Leu225delinsPhePhePhePhePhePhePheXaaXaaXaaXaaThrSerTer (NM_001375406.1, NM_001375407.1, NM_153223.4); c.101_102insTTTTTTTTTTTTTTTTTTTTNNNNNNNNNNGACCTCGTGATCCGCCCGCCTCGGCCTCCCAAAGTGCTGGGATTACAGGCGTGAGCCACCGCGCCCGGCCTCTTTTACTACTCTTT, p.Leu34delinsPhePhePhePhePhePhePheXaaXaaXaaXaaThrSerTer (NM_001375408.1, NM_001375409.1).
Identifiers: ClinVar variation 4735625 (VCV004735625.1).

ClinVar aggregate classification (germline): Pathogenic (1 of 4 stars; one submission).

Conditions:
Short-rib thoracic dysplasia 13 with or without polydactyly (SRTD13). Identifiers: Orphanet 474, MedGen C4225378, MONDO:0014577, OMIM 616300.

Submission:

Labcorp Genetics (formerly Invitae), Labcorp
Classification: Pathogenic for Short-rib thoracic dysplasia 13 with or without polydactyly. Last evaluated: 2026-01-25. Review status: criteria provided, single submitter. Criteria: Invitae Variant Classification Sherloc (09022015). Collection method: clinical testing. Allele origin: germline.
Comment: This sequence change inserts a large fragment of DNA, likely a transposable element, in exon 7 of the CEP120 gene (c.674_675ins?), causing a frameshift at codon 225 (p.Leu225fs). The exact size and sequence of the insertion cannot be determined by the current assay. However, the insertion is expected to result in an absent or disrupted protein product. This variant is not present in population databases (gnomAD no frequency). This variant has not been reported in the literature in individuals affected with CEP120-related conditions. Retrotransposon insertions including LINE1 (L1), Alu, and SVA (SINE-VNTR-Alu) have been reported to be disease-causing through disruption of either a coding region or splice site (PMID: 19763152, 20307669, 22406018) and loss-of-function variants in CEP120 are known to be pathogenic (PMID: 25251415, 27208211). For these reasons, this variant has been classified as Pathogenic.

Literature cited by the submitters: PubMed 19763152; PubMed 20307669; PubMed 22406018; PubMed 25251415; PubMed 27208211.